The following is an entry in ClinVar:

NM_198075.4(LRRC56):c.729G>A (p.Pro243=)

Gene: LRRC56 (leucine rich repeat containing 56; plus strand). Cytogenetic location: 11p15.5.
Variant type: single nucleotide variant.
Coding change: c.729G>A on transcript NM_198075.4 (MANE Select); coding-DNA position 729, G replaced by A.
Protein change: p.Pro243=; no amino-acid change (proline 243 retained).
Molecular consequence: synonymous variant.
Genome position (GRCh38, 1-based): chr11:551,235, G>A. VCF-style: chr11-551235-G-A. GRCh37 (hg19) VCF-style: chr11-551235-G-A.
Identifiers: ClinVar variation 1261003 (VCV001261003.16), dbSNP rs35537971, ClinGen allele CA5779804.
Genomic context (GRCh38, chr11:551,235, plus strand): 5'-TCCCCAGCTGCAGGTCCTGGACGAAGTGCCGGCCGCACACACAGGCCCACCGGCCCCCCC[G>A]CGGCTGAGCCAGGACTGGCTTGCGGTGAAGGAGGCCATCAAGAAGGGCAACGGCCTTCCC-3'
Protein context (NP_932341.1, residues 233-253): PAAHTGPPAP[Pro243=]RLSQDWLAVK

ClinVar aggregate classification (germline): Benign. Review status: criteria provided, multiple submitters, no conflicts (2 of 4 stars). 6 submissions from 6 submitters: Benign (5). 1 of the submissions does not count toward it. Last evaluated 2026-02-04.

Conditions:
LRRC56-related disorder. Also called: LRRC56-related condition.
Ciliary dyskinesia, primary, 39. Also called: CILIARY DYSKINESIA, PRIMARY, 39, WITH OR WITHOUT SITUS INVERSUS. Identifiers: MedGen C4748841, MONDO:0032637, OMIM 618254.

Allele frequency attached by ClinVar (database versions not stated): 1000 Genomes Project 0.15136; 1000 Genomes Project 30x 0.15600; ExAC 0.15820; ESP Exome Variant Server 0.19410; gnomAD 0.20014 and 0.20649; TOPMed 0.20923.
gnomAD v4.1: 297,020 of 1,544,318 alleles (19%); highest among the groups gnomAD compares: Admixed American, 27%; 30,301 homozygotes.

Submissions (6):

Labcorp Genetics (formerly Invitae), Labcorp
Classification: Benign. Last evaluated: 2026-02-04. Review status: criteria provided, single submitter. Criteria: Invitae Variant Classification Sherloc (09022015). Collection method: clinical testing. Allele origin: germline.

Blueprint Genetics
Classification: Benign. Last evaluated: 2024-11-27. Review status: criteria provided, single submitter. Criteria: ACMG Guidelines, 2015. Collection method: clinical testing. Allele origin: germline.

Genome-Nilou Lab
Classification: Benign for Ciliary dyskinesia, primary, 39. Last evaluated: 2021-08-19. Review status: criteria provided, single submitter. Criteria: ACMG Guidelines, 2015. Collection method: clinical testing. Allele origin: germline. Affected: no.

GeneDx
Classification: Benign. Last evaluated: 2020-01-31. Review status: criteria provided, single submitter. Criteria: GeneDx Variant Classification Process June 2021. Collection method: clinical testing. Allele origin: germline. Affected: yes.

Breakthrough Genomics
Classification: Benign. Review status: criteria provided, single submitter. Criteria: ACMG Guidelines, 2015. Collection method: not provided. Allele origin: germline. Inheritance: Autosomal recessive inheritance. Affected: yes.

PreventionGenetics, part of Exact Sciences
Classification: Benign for LRRC56-related condition. Last evaluated: 2019-11-01. Review status: no assertion criteria provided. Collection method: clinical testing. Allele origin: germline. Not counted in ClinVar's aggregate classification.
Comment: This variant is classified as benign based on ACMG/AMP sequence variant interpretation guidelines (Richards et al. 2015 PMID: 25741868, with internal and published modifications).